The following is an entry in ClinVar:

ClinVar aggregate classification (germline): Uncertain significance (0 of 4 stars; one submission).

Conditions:
AMER1-related disorder. Also called: AMER1-related condition.

Submission:

PreventionGenetics, part of Exact Sciences
Classification: Uncertain significance for AMER1-related condition. Last evaluated: 2024-05-02. Review status: no assertion criteria provided. Collection method: clinical testing. Allele origin: germline.
Comment: The AMER1 c.413A>G variant is predicted to result in the amino acid substitution p.Glu138Gly. To our knowledge, this variant has not been reported in the literature or in a large population database, indicating this variant is rare. At this time, the clinical significance of this variant is uncertain due to the absence of conclusive functional and genetic evidence.

NM_152424.4(AMER1):c.413A>G (p.Glu138Gly)

Gene: AMER1 (APC membrane recruitment protein 1; minus strand). Cytogenetic location: Xq11.2.
Variant type: single nucleotide variant.
Coding change: c.413A>G on transcript NM_152424.4 (MANE Select); coding-DNA position 413, A replaced by G.
Protein change: p.Glu138Gly; replaces glutamic acid 138 with glycine.
Molecular consequence: missense variant.
Genome position (GRCh38, 1-based): chrX:64,192,874, T>C on the plus strand (A>G on the coding strand, the complement: AMER1 is on the minus strand). VCF-style: chrX-64192874-T-C. GRCh37 (hg19) VCF-style: chrX-63412754-T-C.
Other names: short protein forms E138G.
Identifiers: ClinVar variation 3350074 (VCV003350074.1).